The following is an entry in ClinVar:

ClinVar aggregate classification (germline): Uncertain significance (1 of 4 stars; one submission).

Submission:

Labcorp Genetics (formerly Invitae), Labcorp
Classification: Uncertain significance. Last evaluated: 2022-11-01. Review status: criteria provided, single submitter. Criteria: Invitae Variant Classification Sherloc (09022015). Collection method: clinical testing. Allele origin: germline.
Comment: In summary, the available evidence is currently insufficient to determine the role of this variant in disease. Therefore, it has been classified as a Variant of Uncertain Significance. This variant disrupts the p.Val18 amino acid residue in DSPP. Other variant(s) that disrupt this residue have been determined to be pathogenic (PMID: 19131317). This suggests that this residue is clinically significant, and that variants that disrupt this residue are likely to be disease-causing. Algorithms developed to predict the effect of missense changes on protein structure and function (SIFT, PolyPhen-2, Align-GVGD) all suggest that this variant is likely to be disruptive. This variant has not been reported in the literature in individuals affected with DSPP-related conditions. This variant is not present in population databases (gnomAD no frequency). This sequence change replaces valine, which is neutral and non-polar, with alanine, which is neutral and non-polar, at codon 18 of the DSPP protein (p.Val18Ala).

Literature cited by the submitters: PubMed 19131317.

NM_014208.3(DSPP):c.53T>C (p.Val18Ala)

Genes: DMP1-AS1 (DMP1 and DSPP antisense RNA 1; minus strand), DSPP (dentin sialophosphoprotein; plus strand). Cytogenetic location: 4q22.1.
Variant type: single nucleotide variant.
Coding change: c.53T>C on transcript NM_014208.3 (MANE Select); coding-DNA position 53, T replaced by C.
Protein change: p.Val18Ala; replaces valine 18 with alanine.
Molecular consequence: missense variant.
Genome position (GRCh38, 1-based): chr4:87,612,106, T>C. VCF-style: chr4-87612106-T-C. GRCh37 (hg19) VCF-style: chr4-88533258-T-C.
Other names: short protein forms V18A.
Identifiers: ClinVar variation 2811455 (VCV002811455.3), dbSNP rs1727745724, ClinGen allele CA357602696.